The following is an entry in ClinVar:

ClinVar aggregate classification (germline): Uncertain significance (1 of 4 stars; one submission).

gnomAD v4.1: 13 of 1,550,766 alleles (0.00084%); highest among the groups gnomAD compares: African/African-American, 0.0096%; no homozygotes.

Submission:

Women's Health and Genetics/Laboratory Corporation of America, LabCorp
Classification: Uncertain significance. Last evaluated: 2025-09-23. Review status: criteria provided, single submitter. Criteria: LabCorp Variant Classification Summary - May 2015. Collection method: clinical testing. Allele origin: germline.
Comment: Variant summary: NOTCH3 c.2749G>C (p.Gly917Arg) results in a non-conservative amino acid change in the encoded protein sequence. Algorithms developed to predict the effect of missense changes on protein structure and function are either unavailable or do not agree on the potential impact of this missense change. The variant allele was found at a frequency of 1.3e-05 in 153918 control chromosomes. The available data on variant occurrences in the general population are insufficient to allow any conclusion about variant significance. To our knowledge, no occurrence of c.2749G>C in individuals affected with NOTCH3-related conditions and no experimental evidence demonstrating its impact on protein function have been reported. No submitters have cited clinical-significance assessments for this variant to ClinVar. Based on the evidence outlined above, the variant was classified as uncertain significance.

NM_000435.3(NOTCH3):c.2749G>C (p.Gly917Arg)

Gene: NOTCH3 (notch receptor 3; minus strand). Cytogenetic location: 19p13.12.
Variant type: single nucleotide variant.
Coding change: c.2749G>C on transcript NM_000435.3 (MANE Select); coding-DNA position 2749, G replaced by C.
Protein change: p.Gly917Arg; replaces glycine 917 with arginine.
Molecular consequence: missense variant.
Genome position (GRCh38, 1-based): chr19:15,181,619, C>G on the plus strand (G>C on the coding strand, the complement: NOTCH3 is on the minus strand). VCF-style: chr19-15181619-C-G. GRCh37 (hg19) VCF-style: chr19-15292430-C-G.
Other names: short protein forms G917R.
Identifiers: ClinVar variation 4536037 (VCV004536037.1).